The following is an entry in ClinVar:

NM_000399.5(EGR2):c.719G>A (p.Gly240Asp)

Gene: EGR2 (early growth response 2; minus strand). Cytogenetic location: 10q21.3.
Variant type: single nucleotide variant.
Coding change: c.719G>A on transcript NM_000399.5 (MANE Select); coding-DNA position 719, G replaced by A.
Protein change: p.Gly240Asp; replaces glycine 240 with aspartic acid.
Molecular consequence: missense variant.
Genome position (GRCh38, 1-based): chr10:62,813,919, C>T on the plus strand (G>A on the coding strand, the complement: EGR2 is on the minus strand). VCF-style: chr10-62813919-C-T. GRCh37 (hg19) VCF-style: chr10-64573679-C-T.
Other names: c.569G>A, p.Gly190Asp (NM_001136179.3, NM_001321037.2); c.758G>A, p.Gly253Asp (NM_001410931.1); c.719G>A, p.Gly240Asp (NM_001136177.3, NM_001136178.2); short protein forms G240D, G253D, G190D.
Identifiers: ClinVar variation 2692931 (VCV002692931.3), dbSNP rs775326892, ClinGen allele CA377029092.

ClinVar aggregate classification (germline): Uncertain significance (1 of 4 stars; one submission).

Conditions:
Charcot-Marie-Tooth disease, type I (CMT1). Also called: Charcot-Marie-Tooth disease type 1; Charcot-Marie-Tooth, Type 1. Identifiers: Orphanet 65753, MedGen C0751036, MONDO:0019011.

Submission:

Labcorp Genetics (formerly Invitae), Labcorp
Classification: Uncertain significance for Charcot-Marie-Tooth disease, type I. Last evaluated: 2024-10-15. Review status: criteria provided, single submitter. Criteria: Invitae Variant Classification Sherloc (09022015). Collection method: clinical testing. Allele origin: germline.
Comment: This sequence change replaces glycine, which is neutral and non-polar, with aspartic acid, which is acidic and polar, at codon 240 of the EGR2 protein (p.Gly240Asp). This variant is not present in population databases (gnomAD no frequency). This variant has not been reported in the literature in individuals affected with EGR2-related conditions. Invitae Evidence Modeling of protein sequence and biophysical properties (such as structural, functional, and spatial information, amino acid conservation, physicochemical variation, residue mobility, and thermodynamic stability) indicates that this missense variant is not expected to disrupt EGR2 protein function with a negative predictive value of 80%. In summary, the available evidence is currently insufficient to determine the role of this variant in disease. Therefore, it has been classified as a Variant of Uncertain Significance.